The following is an entry in ClinVar:

NM_001009944.3(PKD1):c.7323C>T (p.Gly2441=)

Gene: PKD1 (polycystin 1, transient receptor potential channel interacting; minus strand). Cytogenetic location: 16p13.3.
Variant type: single nucleotide variant.
Coding change: c.7323C>T on transcript NM_001009944.3 (MANE Select); coding-DNA position 7323, C replaced by T.
Protein change: p.Gly2441=; no amino-acid change (glycine 2441 retained).
Molecular consequence: synonymous variant.
Genome position (GRCh38, 1-based): chr16:2,106,564, G>A on the plus strand (C>T on the coding strand, the complement: PKD1 is on the minus strand). VCF-style: chr16-2106564-G-A. GRCh37 (hg19) VCF-style: chr16-2156565-G-A.
Other names: c.7323C>T, p.Gly2441= (NM_000296.4).
Identifiers: ClinVar variation 3579275 (VCV003579275.2).

ClinVar aggregate classification (germline): Conflicting classifications of pathogenicity. Review status: criteria provided, conflicting classifications (1 of 4 stars). 2 submissions from 2 submitters: Uncertain significance (1); Likely benign (1). Last evaluated 2025-02-08.

Conditions:
PKD1-related disorder. Also called: PKD1-related condition.
Polycystic kidney disease, adult type (PKD1). Also called: Polycystic Kidney Disease 1, Autosomal Dominant; Polycystic kidney disease 1; Polycystic kidney disease 1, severe; Polycystic Kidney, Autosomal Dominant; POLYCYSTIC KIDNEY DISEASE, ADULT, TYPE I; POLYCYSTIC KIDNEY DISEASE 1 WITH OR WITHOUT POLYCYSTIC LIVER DISEASE. Identifiers: MedGen C3149841, MONDO:0008263, OMIM 173900.

gnomAD v4.1: 31 of 1,596,226 alleles (0.0019%); highest among the groups gnomAD compares: South Asian, 0.023%; no homozygotes.

Submissions (2):

PreventionGenetics, part of Exact Sciences
Classification: Likely benign for PKD1-related condition. Last evaluated: 2025-02-08. Review status: criteria provided, single submitter. Criteria: ACMG Guidelines, 2015. Collection method: clinical testing. Allele origin: germline.
Comment: This variant is classified as likely benign based on ACMG/AMP sequence variant interpretation guidelines (Richards et al. 2015 PMID: 25741868, with internal and published modifications).

Fulgent Genetics
Classification: Uncertain significance for Polycystic kidney disease, adult type. Last evaluated: 2024-05-09. Review status: criteria provided, single submitter. Criteria: ACMG Guidelines, 2015. Collection method: clinical testing. Allele origin: germline.